The following is an entry in ClinVar:

ClinVar aggregate classification (germline): Pathogenic (1 of 4 stars; one submission).

Conditions:
Deficiency of hyaluronoglucosaminidase (MPS9). Also called: HYALURONIDASE DEFICIENCY; Mucopolysaccharidosis type 9; MPS IX. Identifiers: Orphanet 67041, MedGen C1291490, MONDO:0011093, OMIM 601492.

Submission:

Labcorp Genetics (formerly Invitae), Labcorp
Classification: Pathogenic for Deficiency of hyaluronoglucosaminidase. Last evaluated: 2022-09-07. Review status: criteria provided, single submitter. Criteria: Invitae Variant Classification Sherloc (09022015). Collection method: clinical testing. Allele origin: germline.
Comment: For these reasons, this variant has been classified as Pathogenic. This variant has not been reported in the literature in individuals affected with HYAL1-related conditions. This variant is a gross deletion of the genomic region encompassing exon(s) 4 of the HYAL1 gene, which includes the initiator codon. This deletion extends beyond the assayed region for this gene and therefore may encompass additional genes. It is expected to result in an absent or disrupted protein product. Loss-of-function variants in HYAL1 are known to be pathogenic (PMID: 10339581, 21559944).

Literature cited by the submitters: PubMed 10339581; PubMed 21559944.

NC_000003.11:g.(?_50339478)_(50341042_?)del

Gene: HYAL1 (hyaluronidase 1; minus strand). Cytogenetic location: 3p21.31.
Variant type: Deletion.
Identifiers: ClinVar variation 830555 (VCV000830555.6).